The following is an entry in ClinVar:

ClinVar aggregate classification (germline): Pathogenic. Review status: criteria provided, multiple submitters, no conflicts (2 of 4 stars). 6 submissions from 6 submitters: Pathogenic (4). 2 of the submissions do not count toward it. Last evaluated 2025-12-25.

Conditions:
ARL2BP-related disorder. Also called: ARL2BP-related condition.
Retinitis pigmentosa with or without situs inversus. Also called: Retinitis pigmentosa 82 with or without situs inversus; Retinitis pigmentosa 82. Identifiers: Orphanet 791, MedGen C4747737, MONDO:0014186, OMIM 615434.
Retinal dystrophy. Also called: Inherited retinal dystrophy. Identifiers: Orphanet 71862, MedGen C0854723, MeSH D058499, MONDO:0019118, HP:0000556.

Allele frequency attached by ClinVar (database versions not stated): TOPMed 0.00003; gnomAD 0.00004 and 0.00005.
gnomAD v4.1: 124 of 1,522,354 alleles (0.0081%); highest among the groups gnomAD compares: Non-Finnish European, 0.0085%; no homozygotes.

Submissions (7):

Labcorp Genetics (formerly Invitae), Labcorp
Classification: Pathogenic. Last evaluated: 2025-12-25. Review status: criteria provided, single submitter. Criteria: Invitae Variant Classification Sherloc (09022015). Collection method: clinical testing. Allele origin: germline.
Comment: This sequence change affects a donor splice site in intron 3 of the ARL2BP gene. RNA analysis indicates that disruption of this splice site induces altered splicing and may result in an absent or altered protein product. This variant is present in population databases (rs199830550, gnomAD 0.04%). Disruption of this splice site has been observed in individuals with inherited retinal dystrophy (PMID: 27790702, 28041643, 30210231, 32581362). It has also been observed to segregate with disease in related individuals. ClinVar contains an entry for this variant (Variation ID: 437946). Studies have shown that disruption of this splice site results in skipping of exon 3, and produces a non-functional protein and/or introduces a premature termination codon (PMID: 30210231). For these reasons, this variant has been classified as Pathogenic.

GeneDx
Classification: Pathogenic. Last evaluated: 2025-01-07. Review status: criteria provided, single submitter. Criteria: GeneDx Variant Classification Process June 2021. Collection method: clinical testing. Allele origin: germline. Affected: yes.
Comment: Canonical splice site variant predicted to result in a null allele in a gene for which loss of function is a known mechanism of disease; This variant is associated with the following publications: (PMID: 30210231, 28041643, 31964843, 36909829, 31425546, 32581362)

Blueprint Genetics
Classification: Pathogenic for ARL2BP-related disorders. Last evaluated: 2024-10-25. Review status: criteria provided, single submitter. Criteria: ACMG Guidelines, 2015. Collection method: clinical testing. Allele origin: germline. Affected: yes. Observed: 5 variant alleles.

PreventionGenetics, part of Exact Sciences
Classification: Pathogenic for ARL2BP-related condition. Last evaluated: 2023-05-25. Review status: criteria provided, single submitter. Criteria: ACMG Guidelines, 2015. Collection method: clinical testing. Allele origin: germline.
Comment: The ARL2BP c.207+1G>A variant is predicted to disrupt the GT donor site and interfere with normal splicing. This variant has been reported in the homozygous state in individuals with retinal dystrophy (Patient G005193 in Table S2, Carss et al. 2017. PubMed ID: 28041643; Fiorentino et al. 2018. PubMed ID: 30210231; Supplementary Table 2 in Turro et al. 2020. PubMed ID: 32581362). Functional studies showed that this variant led to skipping of exon 3 (Fiorentino et al. 2018. PubMed ID: 30210231; Moye et al. 2019. PubMed ID: 31425546). This variant is reported in 0.049% of alleles in individuals of European (Finnish) descent in gnomAD. Variants that disrupt the consensus splice donor site in ARL2BP are expected to be pathogenic. This variant is interpreted as pathogenic.

OMIM
Classification: Pathogenic for RETINITIS PIGMENTOSA 82. Last evaluated: 2024-08-27. Review status: no assertion criteria provided. Collection method: literature only. Allele origin: germline. Not counted in ClinVar's aggregate classification.

NIHR Bioresource Rare Diseases, University of Cambridge
Classification: Likely pathogenic for Retinal dystrophy. Last evaluated: 2015-01-01. Review status: no assertion criteria provided. Collection method: research. Allele origin: unknown. Affected: yes. Observed: 1 variant allele. Not counted in ClinVar's aggregate classification.

Dr. Peter K. Rogan Lab, Western University
No classification provided (evidence only). Condition: Cholangiocarcinoma. Review status: no classification provided. Collection method: in vitro. Allele origin: not applicable. Functional consequence: skipped exon. Not counted in ClinVar's aggregate classification.

Literature cited by the submitters: PubMed 27790702 (cited by Labcorp Genetics (formerly Invitae), Labcorp); PubMed 28041643 (cited by Labcorp Genetics (formerly Invitae), Labcorp and NIHR Bioresource Rare Diseases, University of Cambridge); PubMed 30210231 (cited by Labcorp Genetics (formerly Invitae), Labcorp); PubMed 32581362 (cited by Labcorp Genetics (formerly Invitae), Labcorp); PubMed 31425546 (cited by OMIM).

NM_012106.4(ARL2BP):c.207+1G>A

Gene: ARL2BP (ARF like GTPase 2 binding protein; plus strand). Cytogenetic location: 16q13.
Variant type: single nucleotide variant.
Coding change: c.207+1G>A on transcript NM_012106.4 (MANE Select); the canonical splice donor site of the intron after coding-DNA position 207, G replaced by A.
Molecular consequence: splice donor variant.
Genome position (GRCh38, 1-based): chr16:57,248,644, G>A. VCF-style: chr16-57248644-G-A. GRCh37 (hg19) VCF-style: chr16-57282556-G-A.
Other names: IVS3DS, G-A, +1.
Identifiers: ClinVar variation 437946 (VCV000437946.13), dbSNP rs199830550, ClinGen allele CA8074878.